The following is an entry in ClinVar:

ClinVar aggregate classification (germline): Uncertain significance (1 of 4 stars; one submission).

Allele frequency attached by ClinVar (database versions not stated): gnomAD exomes below 0.00001; TOPMed 0.00001.
gnomAD v4.1: 1 of 1,613,732 alleles (0.000062%); highest among the groups gnomAD compares: African/African-American, 0.0013%; no homozygotes.

Submission:

Labcorp Genetics (formerly Invitae), Labcorp
Classification: Uncertain significance. Last evaluated: 2021-04-17. Review status: criteria provided, single submitter. Criteria: Invitae Variant Classification Sherloc (09022015). Collection method: clinical testing. Allele origin: germline.
Comment: Algorithms developed to predict the effect of missense changes on protein structure and function are either unavailable or do not agree on the potential impact of this missense change (SIFT: "Deleterious"; PolyPhen-2: "Possibly Damaging"; Align-GVGD: "Class C15"). This sequence change replaces serine with cysteine at codon 6 of the IGF1 protein (p.Ser6Cys). The serine residue is moderately conserved and there is a moderate physicochemical difference between serine and cysteine. This variant is not present in population databases (ExAC no frequency). This variant has not been reported in the literature in individuals with IGF1-related conditions. In summary, the available evidence is currently insufficient to determine the role of this variant in disease. Therefore, it has been classified as a Variant of Uncertain Significance.

NM_000618.5(IGF1):c.16A>T (p.Ser6Cys)

Genes: IGF1 (insulin like growth factor 1; minus strand), LINC02456 (long intergenic non-protein coding RNA 2456; plus strand). Cytogenetic location: 12q23.2.
Variant type: single nucleotide variant.
Coding change: c.16A>T on transcript NM_000618.5 (MANE Select); coding-DNA position 16, A replaced by T.
Protein change: p.Ser6Cys; replaces serine 6 with cysteine.
Molecular consequence: missense variant.
Genome position (GRCh38, 1-based): chr12:102,480,366, T>A on the plus strand (A>T on the coding strand, the complement: IGF1 is on the minus strand). VCF-style: chr12-102480366-T-A. GRCh37 (hg19) VCF-style: chr12-102874144-T-A.
Other names: c.16A>T, p.Ser6Cys (NM_001111283.3, NM_001111285.3); short protein forms S6C.
Identifiers: ClinVar variation 1346126 (VCV001346126.8), dbSNP rs1025787853, ClinGen allele CA242663704.
Genomic context (GRCh38, chr12:102,480,366, plus strand): 5'-AAGAAATATTTACCTTCAAGAAATCACAAAAGCAGCACTTAAATAATTGGGTTGGAAGAC[T>A]GCTGATTTTTCCCATTGCTTCTGAAGTACAAAGTCTGAAAATGAATTGGTTAGCAGGAAT-3'
Protein context (NP_000609.1, residues 1-16): MGKIS[Ser6Cys]LPTQLFKCCF